The following is an entry in ClinVar:

ClinVar aggregate classification (germline): Uncertain significance. Review status: criteria provided, single submitter (1 of 4 stars). 2 submissions from 2 submitters: Uncertain significance (1). 1 of the submissions does not count toward it. Last evaluated 2024-07-11.

Conditions:
MAGEL2-related disorder. Also called: MAGEL2-related condition.

Submissions (2):

Labcorp Genetics (formerly Invitae), Labcorp
Classification: Uncertain significance. Last evaluated: 2024-07-11. Review status: criteria provided, single submitter. Criteria: Invitae Variant Classification Sherloc (09022015). Collection method: clinical testing. Allele origin: germline.
Comment: This sequence change replaces alanine, which is neutral and non-polar, with aspartic acid, which is acidic and polar, at codon 363 of the MAGEL2 protein (p.Ala363Asp). This variant is not present in population databases (gnomAD no frequency). This variant has not been reported in the literature in individuals affected with MAGEL2-related conditions. Experimental studies and prediction algorithms are not available or were not evaluated, and the functional significance of this variant is currently unknown. In summary, the available evidence is currently insufficient to determine the role of this variant in disease. Therefore, it has been classified as a Variant of Uncertain Significance.

PreventionGenetics, part of Exact Sciences
Classification: Uncertain significance for MAGEL2-related condition. Last evaluated: 2024-02-13. Review status: no assertion criteria provided. Collection method: clinical testing. Allele origin: germline. Not counted in ClinVar's aggregate classification.
Comment: The MAGEL2 c.1088C>A variant is predicted to result in the amino acid substitution p.Ala363Asp. To our knowledge, this variant has not been reported in the literature or in a large population database, indicating this variant is rare. At this time, the clinical significance of this variant is uncertain due to the absence of conclusive functional and genetic evidence.

NM_019066.5(MAGEL2):c.1088C>A (p.Ala363Asp)

Gene: MAGEL2 (MAGE family member L2; minus strand). Cytogenetic location: 15q11.2.
Variant type: single nucleotide variant.
Coding change: c.1088C>A on transcript NM_019066.5 (MANE Select); coding-DNA position 1088, C replaced by A.
Protein change: p.Ala363Asp; replaces alanine 363 with aspartic acid.
Molecular consequence: missense variant.
Genome position (GRCh38, 1-based): chr15:23,646,655, G>T on the plus strand (C>A on the coding strand, the complement: MAGEL2 is on the minus strand). VCF-style: chr15-23646655-G-T. GRCh37 (hg19) VCF-style: chr15-23891802-G-T.
Other names: short protein forms A363D.
Identifiers: ClinVar variation 3354353 (VCV003354353.3).